The following is an entry in ClinVar:

NM_001440.4(EXTL3):c.572C>T (p.Thr191Ile)

Gene: EXTL3 (exostosin like glycosyltransferase 3; plus strand). Cytogenetic location: 8p21.1.
Variant type: single nucleotide variant.
Coding change: c.572C>T on transcript NM_001440.4 (MANE Select); coding-DNA position 572, C replaced by T.
Protein change: p.Thr191Ile; replaces threonine 191 with isoleucine.
Molecular consequence: missense variant.
Genome position (GRCh38, 1-based): chr8:28,716,631, C>T. VCF-style: chr8-28716631-C-T. GRCh37 (hg19) VCF-style: chr8-28574148-C-T.
Other names: short protein forms T191I.
Identifiers: ClinVar variation 1507686 (VCV001507686.7), dbSNP rs1801155769, ClinGen allele CA370856595.

ClinVar aggregate classification (germline): Uncertain significance (1 of 4 stars; one submission).

Allele frequency attached by ClinVar (database versions not stated): TOPMed below 0.00001.

Submission:

Labcorp Genetics (formerly Invitae), Labcorp
Classification: Uncertain significance. Last evaluated: 2023-11-28. Review status: criteria provided, single submitter. Criteria: Invitae Variant Classification Sherloc (09022015). Collection method: clinical testing. Allele origin: germline.
Comment: This sequence change replaces threonine, which is neutral and polar, with isoleucine, which is neutral and non-polar, at codon 191 of the EXTL3 protein (p.Thr191Ile). This variant is not present in population databases (gnomAD no frequency). This variant has not been reported in the literature in individuals affected with EXTL3-related conditions. ClinVar contains an entry for this variant (Variation ID: 1507686). Advanced modeling of protein sequence and biophysical properties (such as structural, functional, and spatial information, amino acid conservation, physicochemical variation, residue mobility, and thermodynamic stability) performed at Invitae indicates that this missense variant is not expected to disrupt EXTL3 protein function with a negative predictive value of 80%. In summary, the available evidence is currently insufficient to determine the role of this variant in disease. Therefore, it has been classified as a Variant of Uncertain Significance.